The following is an entry in ClinVar:

ClinVar aggregate classification (germline): Pathogenic (1 of 4 stars; one submission).

Conditions:
Ichthyosis linearis circumflexa. Identifiers: MedGen C0265962, MONDO:0043106, HP:0025810.

Submission:

Labcorp Genetics (formerly Invitae), Labcorp
Classification: Pathogenic for Ichthyosis linearis circumflexa. Last evaluated: 2025-07-18. Review status: criteria provided, single submitter. Criteria: Invitae Variant Classification Sherloc (09022015). Collection method: clinical testing. Allele origin: germline.
Comment: This sequence change creates a premature translational stop signal (p.Glu820Lysfs*104) in the SPINK5 gene. It is expected to result in an absent or disrupted protein product. Loss-of-function variants in SPINK5 are known to be pathogenic (PMID: 11511292, 11841556). This variant is not present in population databases (gnomAD no frequency). This variant has not been reported in the literature in individuals affected with SPINK5-related conditions. For these reasons, this variant has been classified as Pathogenic.

Literature cited by the submitters: PubMed 11511292; PubMed 11841556.

NM_006846.4(SPINK5):c.2458del (p.Glu820fs)

Gene: SPINK5 (serine peptidase inhibitor Kazal type 5; plus strand). Cytogenetic location: 5q32.
Variant type: Deletion.
Coding change: c.2458del on transcript NM_006846.4 (MANE Select); coding-DNA position 2458, one base deleted (G; older notation c.2458delG).
Protein change: p.Glu820fs; shifts the reading frame from glutamic acid 820.
Molecular consequence: frameshift variant.
Genome position (GRCh38, 1-based): chr5:148,120,311, G deleted. VCF-style (leftmost placement, unchanged base first): chr5-148120310-TG-T. GRCh37 (hg19) VCF-style: chr5-147499873-TG-T.
Other names: c.2458del, p.Glu820fs (NM_001127698.2, NM_001127699.2); short protein forms E820fs.
Identifiers: ClinVar variation 4766440 (VCV004766440.1).